The following is an entry in ClinVar:

NM_020937.4(FANCM):c.2305A>G (p.Arg769Gly)

Gene: FANCM (FA complementation group M; plus strand). Cytogenetic location: 14q21.2.
Variant type: single nucleotide variant.
Coding change: c.2305A>G on transcript NM_020937.4 (MANE Select); coding-DNA position 2305, A replaced by G.
Protein change: p.Arg769Gly; replaces arginine 769 with glycine.
Molecular consequence: missense variant.
Genome position (GRCh38, 1-based): chr14:45,173,199, A>G. VCF-style: chr14-45173199-A-G. GRCh37 (hg19) VCF-style: chr14-45642402-A-G.
Other names: c.2305A>G (NM_020937.2); c.2227A>G, p.Arg743Gly (NM_001308133.2); short protein forms R743G, R769G.
Identifiers: ClinVar variation 1361841 (VCV001361841.7), dbSNP rs2139235357, ClinGen allele CA389596891.

ClinVar aggregate classification (germline): Uncertain significance. Review status: criteria provided, multiple submitters, no conflicts (2 of 4 stars). 2 submissions from 2 submitters: Uncertain significance (2). Last evaluated 2025-02-01.

Conditions:
Inborn genetic diseases. Identifiers: MedGen C0950123, MeSH D030342.
Fanconi anemia (FA). Also called: Fanconi's anemia. Identifiers: Orphanet 84, MedGen C0015625, MeSH D005199, MONDO:0019391.

Submissions (2):

Ambry Genetics
Classification: Uncertain significance for Inborn genetic diseases. Last evaluated: 2025-02-01. Review status: criteria provided, single submitter. Criteria: Ambry Variant Classification Scheme 2023. Collection method: clinical testing. Allele origin: germline.
Comment: The p.R769G variant (also known as c.2305A>G), located in coding exon 13 of the FANCM gene, results from an A to G substitution at nucleotide position 2305. The arginine at codon 769 is replaced by glycine, an amino acid with dissimilar properties. This amino acid position is conserved. In addition, the in silico prediction for this alteration is inconclusive. Based on the available evidence, the clinical significance of this variant remains unclear.

Labcorp Genetics (formerly Invitae), Labcorp
Classification: Uncertain significance for Fanconi anemia. Last evaluated: 2021-08-28. Review status: criteria provided, single submitter. Criteria: Invitae Variant Classification Sherloc (09022015). Collection method: clinical testing. Allele origin: germline.
Comment: This variant has not been reported in the literature in individuals affected with FANCM-related conditions. This variant is not present in population databases (ExAC no frequency). This sequence change replaces arginine with glycine at codon 769 of the FANCM protein (p.Arg769Gly). The arginine residue is moderately conserved and there is a moderate physicochemical difference between arginine and glycine. Algorithms developed to predict the effect of missense changes on protein structure and function are either unavailable or do not agree on the potential impact of this missense change (SIFT: "Deleterious"; PolyPhen-2: "Possibly Damaging"; Align-GVGD: "Class C0"). In summary, the available evidence is currently insufficient to determine the role of this variant in disease. Therefore, it has been classified as a Variant of Uncertain Significance.